The following is an entry in ClinVar:

ClinVar aggregate classification (germline): Pathogenic. Review status: criteria provided, multiple submitters, no conflicts (2 of 4 stars). 2 submissions from 2 submitters: Pathogenic (2). Last evaluated 2017-07-06.

Conditions:
Inborn genetic diseases. Identifiers: MedGen C0950123, MeSH D030342.
CHARGE syndrome (CHARGE). Also called: Coloboma, heart anomaly, choanal atresia, retardation, genital and ear anomalies; CHARGE association; Hall-Hittner syndrome; CHARGE ASSOCIATION--COLOBOMA, HEART ANOMALY, CHOANAL ATRESIA, RETARDATION, GENITAL AND EAR ANOMALIES; Hittner Hirsch Kreh syndrome. Identifiers: Orphanet 138, MedGen C0265354, MONDO:0008965.

Submissions (2):

Ambry Genetics
Classification: Pathogenic for Inborn genetic diseases. Last evaluated: 2017-07-06. Review status: criteria provided, single submitter. Criteria: Ambry Variant Classification Scheme 2023. Collection method: clinical testing. Allele origin: germline.
Comment: The p.Q1675* pathogenic mutation (also known as c.5023C>T), located in coding exon 21 of the CHD7 gene, results from a C to T substitution at nucleotide position 5023. This changes the amino acid from a glutamine to a stop codon within coding exon 21. This alteration is expected to result in loss of function by premature protein truncation or nonsense-mediated mRNA decay. As such, this alteration is interpreted as a disease-causing mutation.

Genetic Services Laboratory, University of Chicago
Classification: Pathogenic for CHARGE syndrome. Last evaluated: 2015-03-02. Review status: criteria provided, single submitter. Criteria: ACMG Guidelines, 2015. Collection method: clinical testing. Allele origin: germline. Affected: yes.

NM_017780.4(CHD7):c.5023C>T (p.Gln1675Ter)

Gene: CHD7 (chromodomain helicase DNA binding protein 7; plus strand). Cytogenetic location: 8q12.2.
Variant type: single nucleotide variant.
Coding change: c.5023C>T on transcript NM_017780.4 (MANE Select); coding-DNA position 5023, C replaced by T.
Protein change: p.Gln1675Ter; replaces glutamine 1675 with a stop codon.
Molecular consequence: nonsense. On other transcripts: intron variant (1).
Genome position (GRCh38, 1-based): chr8:60,845,036, C>T. VCF-style: chr8-60845036-C-T. GRCh37 (hg19) VCF-style: chr8-61757595-C-T.
Other names: c.5023C>T (LRG_176t1); c.1717-17193C>T (NM_001316690.1); short protein forms Q1675*.
Identifiers: ClinVar variation 210719 (VCV000210719.8), dbSNP rs797045467, ClinGen allele CA277032.